The following is an entry in ClinVar:

NM_014141.6(CNTNAP2):c.2096C>A (p.Pro699Gln)

Gene: CNTNAP2 (contactin associated protein 2; plus strand). Cytogenetic location: 7q35.
Variant type: single nucleotide variant.
Coding change: c.2096C>A on transcript NM_014141.6 (MANE Select); coding-DNA position 2096, C replaced by A.
Protein change: p.Pro699Gln; replaces proline 699 with glutamine.
Molecular consequence: missense variant.
Genome position (GRCh38, 1-based): chr7:147,639,304, C>A. VCF-style: chr7-147639304-C-A. GRCh37 (hg19) VCF-style: chr7-147336396-C-A.
Other names: short protein forms P699Q.
Identifiers: ClinVar variation 582689 (VCV000582689.9), dbSNP rs764412489, ClinGen allele CA4546304.
Genomic context (GRCh38, chr7:147,639,304, plus strand): 5'-CCGAGTACTGCGAGCAGTATGTCTCCTATTTCTGCAAGATGTCAAGATTGTTGAACACCC[C>A]AGGTAGGCTGAGAATGGAATGTTACTTTTAATCACTATCTCAGCTGGTGCTTAGAATTGC-3'
Protein context (NP_054860.1, residues 689-709): FCKMSRLLNT[Pro699Gln]DGSPYTWWVG

ClinVar aggregate classification (germline): Uncertain significance. Review status: criteria provided, multiple submitters, no conflicts (2 of 4 stars). 3 submissions from 3 submitters: Uncertain significance (3). Last evaluated 2022-06-20.

Conditions:
Inborn genetic diseases. Identifiers: MedGen C0950123, MeSH D030342.
Autism, susceptibility to, 15. Also called: Autism susceptibility 15. Identifiers: MedGen C2677504, MONDO:0012801, OMIM 612100.
Cortical dysplasia-focal epilepsy syndrome (PTHSL1). Also called: Pitt-Hopkins-like syndrome 1. Identifiers: Orphanet 163681, Orphanet 221150, MedGen C2750246, MONDO:0012400, OMIM 610042.

Allele frequency attached by ClinVar (database versions not stated): ExAC 0.00003; gnomAD exomes 0.00003 and 0.00007; TOPMed 0.00006; gnomAD 0.00009.
gnomAD v4.1: 32 of 1,613,604 alleles (0.002%); highest among the groups gnomAD compares: Admixed American, 0.052%; no homozygotes.

Submissions (3):

Labcorp Genetics (formerly Invitae), Labcorp
Classification: Uncertain significance for Cortical dysplasia-focal epilepsy syndrome. Last evaluated: 2022-06-20. Review status: criteria provided, single submitter. Criteria: Invitae Variant Classification Sherloc (09022015). Collection method: clinical testing. Allele origin: germline.
Comment: This sequence change replaces proline, which is neutral and non-polar, with glutamine, which is neutral and polar, at codon 699 of the CNTNAP2 protein (p.Pro699Gln). This variant is present in population databases (rs764412489, gnomAD 0.05%). This variant has not been reported in the literature in individuals affected with CNTNAP2-related conditions. ClinVar contains an entry for this variant (Variation ID: 582689). Algorithms developed to predict the effect of missense changes on protein structure and function are either unavailable or do not agree on the potential impact of this missense change (SIFT: "Deleterious"; PolyPhen-2: "Benign"; Align-GVGD: "Class C0"). In summary, the available evidence is currently insufficient to determine the role of this variant in disease. Therefore, it has been classified as a Variant of Uncertain Significance.

Ambry Genetics
Classification: Uncertain significance for Inborn genetic diseases. Last evaluated: 2019-09-05. Review status: criteria provided, single submitter. Criteria: Ambry Variant Classification Scheme 2023. Collection method: clinical testing. Allele origin: germline.
Comment: The p.P699Q variant (also known as c.2096C>A), located in coding exon 13 of the CNTNAP2 gene, results from a C to A substitution at nucleotide position 2096. The proline at codon 699 is replaced by glutamine, an amino acid with similar properties. This amino acid position is highly conserved in available vertebrate species. In addition, this alteration is predicted to be tolerated by in silico analysis.Since supporting evidence is limited at this time, the clinical significance of this alteration remains unclear.

Fulgent Genetics
Classification: Uncertain significance for Cortical dysplasia-focal epilepsy syndrome; Autism, susceptibility to, 15. Last evaluated: 2018-10-31. Review status: criteria provided, single submitter. Criteria: ACMG Guidelines, 2015. Collection method: clinical testing. Allele origin: unknown.